The following is an entry in ClinVar:

NM_001278064.2(GRM1):c.2859C>T (p.Thr953=)

Gene: GRM1 (glutamate metabotropic receptor 1; plus strand). Cytogenetic location: 6q24.3.
Variant type: single nucleotide variant.
Coding change: c.2859C>T on transcript NM_001278064.2 (MANE Select); coding-DNA position 2859, C replaced by T.
Protein change: p.Thr953=; no amino-acid change (threonine 953 retained).
Molecular consequence: synonymous variant. On other transcripts: 3 prime UTR variant (3).
Genome position (GRCh38, 1-based): chr6:146,434,070, C>T. VCF-style: chr6-146434070-C-T. GRCh37 (hg19) VCF-style: chr6-146755206-C-T.
Other names: c.*223C>T (NM_001278065.2); c.*188C>T (NM_001278066.1); c.*97C>T (NM_001278067.1).
Identifiers: ClinVar variation 585960 (VCV000585960.12), dbSNP rs116471335, ClinGen allele CA4037573.

ClinVar aggregate classification (germline): Benign. Review status: criteria provided, multiple submitters, no conflicts (2 of 4 stars). 2 submissions from 2 submitters: Benign (2). Last evaluated 2025-10-23.

Allele frequency attached by ClinVar (database versions not stated): gnomAD exomes 0.00022 and 0.00048; ExAC 0.00058; 1000 Genomes Project 0.00180; 1000 Genomes Project 30x 0.00203; ESP Exome Variant Server 0.00215; gnomAD 0.00236 and 0.00249; TOPMed 0.00242.
gnomAD v4.1: 682 of 1,614,216 alleles (0.042%); highest among the groups gnomAD compares: African/African-American, 0.78%; 2 homozygotes.

Submissions (2):

Athena Diagnostics
Classification: Benign. Last evaluated: 2025-10-23. Review status: criteria provided, single submitter. Criteria: Athena Diagnostics Criteria. Collection method: clinical testing. Allele origin: unknown.
Comment: The frequency of this variant in the general population is higher than would generally be expected for pathogenic variants in this gene.

Labcorp Genetics (formerly Invitae), Labcorp
Classification: Benign. Last evaluated: 2025-09-16. Review status: criteria provided, single submitter. Criteria: Invitae Variant Classification Sherloc (09022015). Collection method: clinical testing. Allele origin: germline.

Literature cited by the submitters: PubMed 22558107 (cited by Athena Diagnostics).